The following is an entry in ClinVar:

NM_001098816.3(TENM4):c.6874C>T (p.Arg2292Cys)

Gene: TENM4 (teneurin transmembrane protein 4; minus strand). Cytogenetic location: 11q14.1.
Variant type: single nucleotide variant.
Coding change: c.6874C>T on transcript NM_001098816.3 (MANE Select); coding-DNA position 6874, C replaced by T.
Protein change: p.Arg2292Cys; replaces arginine 2292 with cysteine.
Molecular consequence: missense variant.
Genome position (GRCh38, 1-based): chr11:78,669,471, G>A on the plus strand (C>T on the coding strand, the complement: TENM4 is on the minus strand). VCF-style: chr11-78669471-G-A. GRCh37 (hg19) VCF-style: chr11-78380516-G-A.
Other names: short protein forms R2292C.
Identifiers: ClinVar variation 3036505 (VCV003036505.3), dbSNP rs750652207, ClinGen allele CA6206329.

ClinVar aggregate classification (germline): Uncertain significance. Review status: criteria provided, single submitter (1 of 4 stars). 2 submissions from 2 submitters: Uncertain significance (1). 1 of the submissions does not count toward it. Last evaluated 2025-06-17.

Conditions:
TENM4-related disorder. Also called: TENM4-related condition.

Allele frequency attached by ClinVar (database versions not stated): ExAC 0.00003; gnomAD 0.00003; gnomAD exomes 0.00004; TOPMed 0.00005.
gnomAD v4.1: 63 of 1,613,582 alleles (0.0039%); highest among the groups gnomAD compares: Admixed American, 0.01%; no homozygotes.

Submissions (2):

Ambry Genetics
Classification: Uncertain significance. Last evaluated: 2025-06-17. Review status: criteria provided, single submitter. Criteria: Ambry Variant Classification Scheme 2023. Collection method: clinical testing. Allele origin: germline.

PreventionGenetics, part of Exact Sciences
Classification: Uncertain significance for TENM4-related condition. Last evaluated: 2023-12-12. Review status: no assertion criteria provided. Collection method: clinical testing. Allele origin: germline. Not counted in ClinVar's aggregate classification.
Comment: The TENM4 c.6874C>T variant is predicted to result in the amino acid substitution p.Arg2292Cys. To our knowledge, this variant has not been reported in the literature. This variant is reported in 0.014% of alleles in individuals of Latino descent in gnomAD. At this time, the clinical significance of this variant is uncertain due to the absence of conclusive functional and genetic evidence.